The following is an entry in ClinVar:

ClinVar aggregate classification (germline): Pathogenic (1 of 4 stars; one submission).

Allele frequency attached by ClinVar (database versions not stated): gnomAD exomes below 0.00001.
gnomAD v4.1: 2 of 1,613,480 alleles (0.00012%); highest among the groups gnomAD compares: Non-Finnish European, 0.00017%; no homozygotes.

Submission:

Labcorp Genetics (formerly Invitae), Labcorp
Classification: Pathogenic. Last evaluated: 2024-01-04. Review status: criteria provided, single submitter. Criteria: Invitae Variant Classification Sherloc (09022015). Collection method: clinical testing. Allele origin: germline.
Comment: This sequence change creates a premature translational stop signal (p.Gln1511*) in the TTC37 gene. It is expected to result in an absent or disrupted protein product. Loss-of-function variants in TTC37 are known to be pathogenic (PMID: 20176027, 21120949). This variant is present in population databases (no rsID available, gnomAD 0.0009%). This variant has not been reported in the literature in individuals affected with TTC37-related conditions. For these reasons, this variant has been classified as Pathogenic.

Literature cited by the submitters: PubMed 20176027; PubMed 21120949.

NM_014639.4(SKIC3):c.4531C>T (p.Gln1511Ter)

Gene: SKIC3 (SKI3 subunit of superkiller complex; minus strand). Cytogenetic location: 5q15.
Variant type: single nucleotide variant.
Coding change: c.4531C>T on transcript NM_014639.4 (MANE Select); coding-DNA position 4531, C replaced by T.
Protein change: p.Gln1511Ter; replaces glutamine 1511 with a stop codon.
Molecular consequence: nonsense.
Genome position (GRCh38, 1-based): chr5:95,467,955, G>A on the plus strand (C>T on the coding strand, the complement: SKIC3 is on the minus strand). VCF-style: chr5-95467955-G-A. GRCh37 (hg19) VCF-style: chr5-94803659-G-A.
Other names: short protein forms Q1511*.
Identifiers: ClinVar variation 2976029 (VCV002976029.3), dbSNP rs1266562776, ClinGen allele CA360458559.